The following is an entry in ClinVar:

NM_201384.3(PLEC):c.10920C>T (p.Tyr3640=)

Gene: PLEC (plectin; minus strand). Cytogenetic location: 8q24.3.
Variant type: single nucleotide variant.
Coding change: c.10920C>T on transcript NM_201384.3 (MANE Select); coding-DNA position 10920, C replaced by T.
Protein change: p.Tyr3640=; no amino-acid change (tyrosine 3640 retained).
Molecular consequence: synonymous variant.
Genome position (GRCh38, 1-based): chr8:143,918,901, G>A on the plus strand (C>T on the coding strand, the complement: PLEC is on the minus strand). VCF-style: chr8-143918901-G-A. GRCh37 (hg19) VCF-style: chr8-144993069-G-A.
Other names: p.Tyr3626=; c.11001C>T, p.Tyr3667= (NM_000445.5); c.10878C>T, p.Tyr3626= (NM_201378.4); c.10854C>T, p.Tyr3618= (NM_201379.3); c.11331C>T, p.Tyr3777= (NM_201380.4); c.10824C>T, p.Tyr3608= (NM_201381.3); c.10920C>T, p.Tyr3640= (NM_201382.4); c.10932C>T, p.Tyr3644= (NM_201383.3).
Identifiers: ClinVar variation 129923 (VCV000129923.25), dbSNP rs28455570, ClinGen allele CA154344.

ClinVar aggregate classification (germline): Benign. Review status: criteria provided, multiple submitters, no conflicts (2 of 4 stars). 8 submissions from 8 submitters: Benign (7). 1 of the submissions does not count toward it. Last evaluated 2026-02-04.

Conditions:
Epidermolysis bullosa simplex 5C, with pyloric atresia (EBS5C). Also called: PLEC-Related Epidermolysis Bullosa with Pyloric Atresia; Epidermolysis bullosa simplex with pyloric atresia; PLEC1-Related Epidermolysis Bullosa with Pyloric Atresia. Identifiers: Orphanet 158684, MedGen C2677349, MONDO:0012807, OMIM 612138.
Autosomal recessive limb-girdle muscular dystrophy type 2Q (LGMDR17). Also called: MUSCULAR DYSTROPHY, LIMB-GIRDLE, AUTOSOMAL RECESSIVE 17. Identifiers: Orphanet 254361, MedGen C3150989, MONDO:0013390, OMIM 613723.
Epidermolysis bullosa simplex with nail dystrophy (EBS5D). Identifiers: MedGen C4225309, MONDO:0014661, OMIM 616487.
Epidermolysis bullosa simplex 5B, with muscular dystrophy (EBS5B). Also called: Epidermolysis bullosa simplex with muscular dystrophy; EPIDERMOLYSIS BULLOSA SIMPLEX AND LIMB-GIRDLE MUSCULAR DYSTROPHY. Identifiers: Orphanet 257, MedGen C2931072, MONDO:0009181, OMIM 226670.
Epidermolysis bullosa simplex, Ogna type (EBS5A). Also called: Pidermolysis bullosa simplex 5A, Ogna type; EPIDERMOLYSIS BULLOSA SIMPLEX 5A, OGNA TYPE. Identifiers: Orphanet 79401, MedGen C0432317, MONDO:0007555, OMIM 131950.

Allele frequency attached by ClinVar (database versions not stated): 1000 Genomes Project 0.03335; 1000 Genomes Project 30x 0.03451; TOPMed 0.05985; gnomAD exomes 0.06656 and 0.09438; gnomAD 0.06808 and 0.07092; ExAC 0.06810; ESP Exome Variant Server 0.07088.
gnomAD v4.1: 147,182 of 1,611,580 alleles (9.1%); highest among the groups gnomAD compares: Non-Finnish European, 11%; 7,812 homozygotes.

Submissions (8):

Labcorp Genetics (formerly Invitae), Labcorp
Classification: Benign for Autosomal recessive limb-girdle muscular dystrophy type 2Q; Epidermolysis bullosa simplex, Ogna type; Epidermolysis bullosa simplex with nail dystrophy; Epidermolysis bullosa simplex 5C, with pyloric atresia; Epidermolysis bullosa simplex 5B, with muscular dystrophy. Last evaluated: 2026-02-04. Review status: criteria provided, single submitter. Criteria: Invitae Variant Classification Sherloc (09022015). Collection method: clinical testing. Allele origin: germline.

Athena Diagnostics
Classification: Benign. Last evaluated: 2018-06-21. Review status: criteria provided, single submitter. Criteria: Athena Diagnostics Criteria. Collection method: clinical testing. Allele origin: germline.

Mayo Clinic Laboratories, Mayo Clinic
Classification: Benign. Last evaluated: 2017-08-21. Review status: criteria provided, single submitter. Criteria: ACMG Guidelines, 2015. Collection method: clinical testing. Allele origin: germline. Observed: 208 variant alleles.

GeneDx
Classification: Benign. Last evaluated: 2016-02-17. Review status: criteria provided, single submitter. Criteria: GeneDx Variant Classification (06012015). Collection method: clinical testing. Allele origin: germline. Affected: yes.
Comment: This variant is considered likely benign or benign based on one or more of the following criteria: it is a conservative change, it occurs at a poorly conserved position in the protein, it is predicted to be benign by multiple in silico algorithms, and/or has population frequency not consistent with disease.

Laboratory for Molecular Medicine, Mass General Brigham Personalized Medicine
Classification: Benign. Last evaluated: 2015-01-13. Review status: criteria provided, single submitter. Criteria: LMM Criteria. Collection method: clinical testing. Allele origin: germline. Observed: 3 variant alleles.
Comment: p.Tyr3777Tyr in exon 32 of PLEC: This variant is not expected to have clinical s ignificance because it does not alter an amino acid residue and is not located w ithin the splice consensus sequence. It has been identified in 9.6% (816/8492) o f European American chromosomes from a broad population by the NHLBI Exome Seque ncing Project (dbSNP rs28455570).

Eurofins Ntd Llc (ga)
Classification: Benign. Last evaluated: 2014-05-20. Review status: criteria provided, single submitter. Criteria: EGL Classification Definitions 2015. Collection method: clinical testing. Allele origin: germline. Observed: 1 variant allele, 1 heterozygote.

Breakthrough Genomics
Classification: Benign. Review status: criteria provided, single submitter. Criteria: ACMG Guidelines, 2015. Collection method: not provided. Allele origin: germline. Inheritance: Autosomal recessive inheritance. Affected: yes.

Genetic Services Laboratory, University of Chicago
Classification: Likely benign for AllHighlyPenetrant. Review status: no assertion criteria provided. Collection method: clinical testing. Allele origin: germline. Inheritance: Autosomal recessive inheritance. Not counted in ClinVar's aggregate classification.
Comment: Likely benign based on allele frequency in 1000 Genomes Project or ESP global frequency and its presence in a patient with a rare or unrelated disease phenotype. NOT Sanger confirmed.